The following is an entry in ClinVar:

NM_000329.3(RPE65):c.127_128delinsTTATACACATCTGTGA (p.Arg44fs)

Gene: RPE65 (retinoid isomerohydrolase RPE65; minus strand). Cytogenetic location: 1p31.3.
Variant type: Indel.
Coding change: c.127_128delinsTTATACACATCTGTGA on transcript NM_000329.3 (MANE Select); coding-DNA positions 127 to 128, CT replaced by TTATACACATCTGTGA.
Protein change: p.Arg44fs; shifts the reading frame from arginine 44.
Molecular consequence: frameshift variant. On other transcripts: 5 prime UTR variant (1), intron variant (1).
Genome position (GRCh38, 1-based): chr1:68,446,827-68,446,828, AG replaced by TCACAGATGTGTATAA on the plus strand (CT replaced by TTATACACATCTGTGA on the coding strand, the reverse complement: RPE65 is on the minus strand). VCF-style: chr1-68446827-AG-TCACAGATGTGTATAA. GRCh37 (hg19) VCF-style: chr1-68912510-AG-TCACAGATGTGTATAA.
Other names: c.127_128delinsTTATACACATCTGTGA, p.Arg44fs (NM_001406853.1, NM_001406859.1, NM_001406860.1); c.-150_-149delinsTTATACACATCTGTGA (NM_001406857.1); c.-32+1796_-32+1797delinsTTATACACATCTGTGA (NM_001406856.1); short protein forms R44fs.
Identifiers: ClinVar variation 5016446 (VCV005016446.1).

ClinVar aggregate classification (germline): Pathogenic (1 of 4 stars; one submission).

Conditions:
RPE65-related recessive retinopathy. Also called: Recessive RPE65 retinopathy. Identifiers: MedGen CN305526, MONDO:0100368.

Submission:

Myriad Genetics, Inc.
Classification: Pathogenic for RPE65-related recessive retinopathy. Last evaluated: 2024-05-14. Review status: criteria provided, single submitter. Criteria: Myriad Autosomal Dominant, Autosomal Recessive and X-Linked Classification Criteria (2023). Collection method: clinical testing. Allele origin: unknown.
Comment: NM_000329.2(RPE65):c.127_128del2ins16(R44Yfs*55) is expected to be pathogenic in the context of inherited retinal dystrophy, RPE65-related. This variant is predicted to lead to an abnormal or absent protein product due to the creation of a premature termination codon in RPE65, a gene where loss-of-function variants are known to be pathogenic. Please note: this variant was assessed in the context of healthy population screening.